The following is an entry in ClinVar:

NM_001367624.2(ZNF469):c.9774A>C (p.Gln3258His)

Gene: ZNF469 (zinc finger protein 469; plus strand). Cytogenetic location: 16q24.2.
Variant type: single nucleotide variant.
Coding change: c.9774A>C on transcript NM_001367624.2 (MANE Select); coding-DNA position 9774, A replaced by C.
Protein change: p.Gln3258His; replaces glutamine 3258 with histidine.
Molecular consequence: missense variant.
Genome position (GRCh38, 1-based): chr16:88,437,244, A>C. VCF-style: chr16-88437244-A-C. GRCh37 (hg19) VCF-style: chr16-88503652-A-C.
Other names: p.Gln3258His; short protein forms Q3258H.
Identifiers: ClinVar variation 3380415 (VCV003380415.1).

ClinVar aggregate classification (germline): Uncertain significance (1 of 4 stars; one submission).

gnomAD v4.1: 3 of 1,549,056 alleles (0.00019%); highest among the groups gnomAD compares: Admixed American, 0.0039%; no homozygotes.

Submission:

Mayo Clinic Laboratories, Mayo Clinic
Classification: Uncertain significance. Last evaluated: 2024-07-29. Review status: criteria provided, single submitter. Criteria: ACMG Guidelines, 2015. Collection method: clinical testing. Allele origin: germline. Observed: 1 variant allele.
Comment: BP4